The following is an entry in ClinVar:

NM_001958.5(EEF1A2):c.1029+3G>T

Gene: EEF1A2 (eukaryotic translation elongation factor 1 alpha 2; minus strand). Cytogenetic location: 20q13.33.
Variant type: single nucleotide variant.
Coding change: c.1029+3G>T on transcript NM_001958.5 (MANE Select); 3 bases into the intron after coding-DNA position 1029, G replaced by T.
Molecular consequence: intron variant.
Genome position (GRCh38, 1-based): chr20:63,490,476, C>A on the plus strand (G>T on the coding strand, the complement: EEF1A2 is on the minus strand). VCF-style: chr20-63490476-C-A. GRCh37 (hg19) VCF-style: chr20-62121829-C-A.
Identifiers: ClinVar variation 510868 (VCV000510868.44), dbSNP rs111392970, ClinGen allele CA9958991.

ClinVar aggregate classification (germline): Conflicting classifications of pathogenicity. Review status: criteria provided, conflicting classifications (1 of 4 stars). 6 submissions from 6 submitters: Uncertain significance (1); Benign (3); Likely benign (2). Last evaluated 2026-01-08.

Conditions:
Developmental and epileptic encephalopathy, 33 (DEE33). Also called: Epileptic encephalopathy, early infantile, 33. Identifiers: Orphanet 442835, MedGen C4225337, MONDO:0014625, OMIM 616409.
Inborn genetic diseases. Identifiers: MedGen C0950123, MeSH D030342.

Allele frequency attached by ClinVar (database versions not stated): 1000 Genomes Project 30x 0.00016; 1000 Genomes Project 0.00020; TOPMed 0.00002.

Submissions (6):

Labcorp Genetics (formerly Invitae), Labcorp
Classification: Benign for Developmental and epileptic encephalopathy, 33. Last evaluated: 2026-01-08. Review status: criteria provided, single submitter. Criteria: Invitae Variant Classification Sherloc (09022015). Collection method: clinical testing. Allele origin: germline.

Ambry Genetics
Classification: Benign for Inborn genetic diseases. Last evaluated: 2025-07-15. Review status: criteria provided, single submitter. Criteria: Ambry Variant Classification Scheme 2023. Collection method: clinical testing. Allele origin: germline.

Blueprint Genetics
Classification: Likely benign. Last evaluated: 2024-02-09. Review status: criteria provided, single submitter. Criteria: ACMG Guidelines, 2015. Collection method: clinical testing. Allele origin: germline.

CeGaT Center for Human Genetics Tuebingen
Classification: Likely benign. Last evaluated: 2022-09-01. Review status: criteria provided, single submitter. Criteria: CeGaT Center For Human Genetics Tuebingen Variant Classification Criteria Version 2. Collection method: clinical testing. Allele origin: germline. Affected: yes. Observed: 2 variant alleles.
Comment: EEF1A2: BP4

GeneDx
Classification: Benign. Last evaluated: 2020-10-01. Review status: criteria provided, single submitter. Criteria: GeneDx Variant Classification Process June 2021. Collection method: clinical testing. Allele origin: germline. Affected: yes.

Revvity Omics, Revvity
Classification: Uncertain significance. Last evaluated: 2020-01-13. Review status: criteria provided, single submitter. Criteria: ACMG Guidelines, 2015. Collection method: clinical testing. Allele origin: germline.